The following is an entry in ClinVar:

NM_021095.4(SLC5A6):c.1763A>G (p.Gln588Arg)

Gene: SLC5A6 (solute carrier family 5 member 6; minus strand). Cytogenetic location: 2p23.3.
Variant type: single nucleotide variant.
Coding change: c.1763A>G on transcript NM_021095.4 (MANE Select); coding-DNA position 1763, A replaced by G.
Protein change: p.Gln588Arg; replaces glutamine 588 with arginine.
Molecular consequence: missense variant. On other transcripts: non-coding transcript variant (1).
Genome position (GRCh38, 1-based): chr2:27,200,999, T>C on the plus strand (A>G on the coding strand, the complement: SLC5A6 is on the minus strand). VCF-style: chr2-27200999-T-C. GRCh37 (hg19) VCF-style: chr2-27423867-T-C.
Other names: short protein forms Q588R.
Identifiers: ClinVar variation 3369907 (VCV003369907.1).

ClinVar aggregate classification (germline): Uncertain significance (1 of 4 stars; one submission).

gnomAD v4.1: 4 of 1,597,860 alleles (0.00025%); highest among the groups gnomAD compares: Non-Finnish European, 0.00026%; no homozygotes.

Submission:

GeneDx
Classification: Uncertain significance. Last evaluated: 2024-03-03. Review status: criteria provided, single submitter. Criteria: GeneDx Variant Classification Process June 2021. Collection method: clinical testing. Allele origin: germline. Affected: yes.
Comment: Has not been previously published as pathogenic or benign to our knowledge; Not observed at significant frequency in large population cohorts (gnomAD); In silico analysis supports that this missense variant does not alter protein structure/function; In silico analysis is inconclusive as to whether the variant alters gene splicing. In the absence of RNA/functional studies, the actual effect of this sequence change is unknown